The following is an entry in ClinVar:

NM_014704.4(CEP104):c.1351C>T (p.Arg451Ter)

Gene: CEP104 (centrosomal protein 104; minus strand). Cytogenetic location: 1p36.32.
Variant type: single nucleotide variant.
Coding change: c.1351C>T on transcript NM_014704.4 (MANE Select); coding-DNA position 1351, C replaced by T.
Protein change: p.Arg451Ter; replaces arginine 451 with a stop codon.
Molecular consequence: nonsense.
Genome position (GRCh38, 1-based): chr1:3,835,059, G>A on the plus strand (C>T on the coding strand, the complement: CEP104 is on the minus strand). VCF-style: chr1-3835059-G-A. GRCh37 (hg19) VCF-style: chr1-3751623-G-A.
Other names: short protein forms R451*.
Identifiers: ClinVar variation 4700540 (VCV004700540.1).

ClinVar aggregate classification (germline): Pathogenic (1 of 4 stars; one submission).

Conditions:
Joubert syndrome 25 (JBTS25). Identifiers: Orphanet 475, MedGen C4084842, MONDO:0014770, OMIM 616781.

Submission:

Labcorp Genetics (formerly Invitae), Labcorp
Classification: Pathogenic for Joubert syndrome 25. Last evaluated: 2026-01-09. Review status: criteria provided, single submitter. Criteria: Invitae Variant Classification Sherloc (09022015). Collection method: clinical testing. Allele origin: germline.
Comment: This sequence change creates a premature translational stop signal (p.Arg451*) in the CEP104 gene. It is expected to result in an absent or disrupted protein product. Loss-of-function variants in CEP104 are known to be pathogenic (PMID: 26477546). The frequency data for this variant in the population databases is considered unreliable, as metrics indicate poor data quality at this position in the gnomAD database. This variant has not been reported in the literature in individuals affected with CEP104-related conditions. For these reasons, this variant has been classified as Pathogenic.

Literature cited by the submitters: PubMed 26477546.